The following is an entry in ClinVar:

ClinVar aggregate classification (germline): Pathogenic. Review status: criteria provided, multiple submitters, no conflicts (2 of 4 stars). 5 submissions from 5 submitters: Pathogenic (4). 1 of the submissions does not count toward it. Last evaluated 2025-11-05.

Conditions:
LAMA2-related muscular dystrophy (LAMA2-RD). Also called: Laminin alpha 2-related dystrophy. Identifiers: MedGen C5679788, MONDO:0100228.
Merosin deficient congenital muscular dystrophy (MDC1A). Also called: Congenital merosin-deficient muscular dystrophy 1A; Congenital Muscular Dystrophy Type 1A (MDC1A). Identifiers: Orphanet 258, MedGen C1263858, MONDO:0011925, OMIM 607855.

Allele frequency attached by ClinVar (database versions not stated): gnomAD 0.00002; TOPMed 0.00002; gnomAD exomes 0.00003.

Submissions (5):

Labcorp Genetics (formerly Invitae), Labcorp
Classification: Pathogenic for LAMA2-related muscular dystrophy. Last evaluated: 2025-11-05. Review status: criteria provided, single submitter. Criteria: Invitae Variant Classification Sherloc (09022015). Collection method: clinical testing. Allele origin: germline.
Comment: This sequence change creates a premature translational stop signal (p.Ser2553Tyrfs*35) in the LAMA2 gene. It is expected to result in an absent or disrupted protein product. Loss-of-function variants in LAMA2 are known to be pathogenic (PMID: 18700894, 32904964). This variant is present in population databases (no rsID available, gnomAD 0.007%). This premature translational stop signal has been observed in individuals with congenital muscular dystrophy (PMID: 10694916, 21520333, 30055037). This variant is also known as c.7707delC. ClinVar contains an entry for this variant (Variation ID: 477507). For these reasons, this variant has been classified as Pathogenic.

GeneDx
Classification: Pathogenic. Last evaluated: 2025-07-14. Review status: criteria provided, single submitter. Criteria: GeneDx Variant Classification Process June 2021. Collection method: clinical testing. Allele origin: germline. Affected: yes.
Comment: Frameshift variant predicted to result in protein truncation or nonsense-mediated decay in a gene for which loss of function is a known mechanism of disease; Not observed at significant frequency in large population cohorts (gnomAD); This variant is associated with the following publications: (PMID: 10694916, 30055037)

Revvity Omics, Revvity
Classification: Pathogenic. Last evaluated: 2025-06-03. Review status: criteria provided, single submitter. Criteria: ACMG Guidelines, 2015. Collection method: clinical testing. Allele origin: germline.

Baylor Genetics
Classification: Pathogenic for Merosin deficient congenital muscular dystrophy. Last evaluated: 2024-03-12. Review status: criteria provided, single submitter. Criteria: ACMG Guidelines, 2015. Collection method: clinical testing. Allele origin: unknown.

Counsyl
Classification: Likely pathogenic for Merosin deficient congenital muscular dystrophy. Last evaluated: 2017-11-05. Review status: no assertion criteria provided. Collection method: clinical testing. Allele origin: unknown. Not counted in ClinVar's aggregate classification.

Literature cited by the submitters: PubMed 18700894 (cited by Labcorp Genetics (formerly Invitae), Labcorp); PubMed 32904964 (cited by Labcorp Genetics (formerly Invitae), Labcorp); PubMed 10694916 (cited by Labcorp Genetics (formerly Invitae), Labcorp and Counsyl); PubMed 21520333 (cited by Labcorp Genetics (formerly Invitae), Labcorp); PubMed 30055037 (cited by Labcorp Genetics (formerly Invitae), Labcorp).

NM_000426.4(LAMA2):c.7658del (p.Ser2553fs)

Gene: LAMA2 (laminin subunit alpha 2; plus strand). Cytogenetic location: 6q22.33.
Variant type: Deletion.
Coding change: c.7658del on transcript NM_000426.4 (MANE Select); coding-DNA position 7658, one base deleted (C; older notation c.7658delC).
Protein change: p.Ser2553fs; shifts the reading frame from serine 2553.
Molecular consequence: frameshift variant.
Genome position (GRCh38, 1-based): chr6:129,481,348, C deleted. VCF-style (leftmost placement, unchanged base first): chr6-129481347-TC-T. GRCh37 (hg19) VCF-style: chr6-129802492-TC-T.
Other names: c.7658delC (NM_000426.3); c.7646del, p.Ser2549fs (NM_001079823.2); short protein forms S2549fs, S2553fs.
Identifiers: ClinVar variation 477507 (VCV000477507.20), dbSNP rs1293303410, ClinGen allele CA451933934.
Genomic context (GRCh38, chr6:129,481,347, plus strand): 5'-AAGCCTGGTTTTGTGGAGCTCTCCCCTGTGCCAATTGATGTAGGAACAGAAATCAACCTG[TC>T]ATTCAGCACCAAGAATGAGTCCGGCATCATTCTTTTGGGAAGTGGAGGGACACCAGCACC-3'